The following is an entry in ClinVar:

NM_000702.4(ATP1A2):c.828G>T (p.Glu276Asp)

Gene: ATP1A2 (ATPase Na+/K+ transporting subunit alpha 2; plus strand). Cytogenetic location: 1q23.2.
Variant type: single nucleotide variant.
Coding change: c.828G>T on transcript NM_000702.4 (MANE Select); coding-DNA position 828, G replaced by T.
Protein change: p.Glu276Asp; replaces glutamic acid 276 with aspartic acid.
Molecular consequence: missense variant.
Genome position (GRCh38, 1-based): chr1:160,127,631, G>T. VCF-style: chr1-160127631-G-T. GRCh37 (hg19) VCF-style: chr1-160097421-G-T.
Other names: short protein forms E276D.
Identifiers: ClinVar variation 3777687 (VCV003777687.1).
Genomic context (GRCh38, chr1:160,127,631, plus strand): 5'-GATTGCCACAGGAGACCGGACGGTGATGGGCCGCATAGCTACTCTCGCCTCAGGCCTGGA[G>T]GTTGGGCGGACACCCATAGCAATGGAGATTGAACACTTCATCCAGCTGATCACAGGGGTC-3'
Protein context (NP_000693.1, residues 266-286): GRIATLASGL[Glu276Asp]VGRTPIAMEI

ClinVar aggregate classification (germline): Uncertain significance (1 of 4 stars; one submission).

Submission:

GeneDx
Classification: Uncertain significance. Last evaluated: 2024-10-10. Review status: criteria provided, single submitter. Criteria: GeneDx Variant Classification Process June 2021. Collection method: clinical testing. Allele origin: germline. Affected: yes.
Comment: Not observed at significant frequency in large population cohorts (gnomAD); In silico analysis indicates that this missense variant does not alter protein structure/function; Has not been previously published as pathogenic or benign to our knowledge